The following is an entry in ClinVar:

ClinVar aggregate classification (germline): Likely benign (0 of 4 stars; one submission).

Conditions:
SNTG1-related disorder. Also called: SNTG1-related condition.

Allele frequency attached by ClinVar (database versions not stated): TOPMed below 0.00001; gnomAD exomes 0.00001; ExAC 0.00002.
gnomAD v4.1: 16 of 1,613,994 alleles (0.00099%); highest among the groups gnomAD compares: Non-Finnish European, 0.0014%; no homozygotes.

Submission:

PreventionGenetics, part of Exact Sciences
Classification: Likely benign for SNTG1-related condition. Last evaluated: 2023-08-15. Review status: no assertion criteria provided. Collection method: clinical testing. Allele origin: germline.
Comment: This variant is classified as likely benign based on ACMG/AMP sequence variant interpretation guidelines (Richards et al. 2015 PMID: 25741868, with internal and published modifications).

NM_018967.5(SNTG1):c.642G>C (p.Ser214=)

Gene: SNTG1 (syntrophin gamma 1; plus strand). Cytogenetic location: 8q11.21.
Variant type: single nucleotide variant.
Coding change: c.642G>C on transcript NM_018967.5 (MANE Select); coding-DNA position 642, G replaced by C.
Protein change: p.Ser214=; no amino-acid change (serine 214 retained).
Molecular consequence: synonymous variant. On other transcripts: non-coding transcript variant (5).
Genome position (GRCh38, 1-based): chr8:50,536,770, G>C. VCF-style: chr8-50536770-G-C. GRCh37 (hg19) VCF-style: chr8-51449330-G-C.
Other names: c.642G>C, p.Ser214= (NM_001287813.3, NM_001287814.3, NM_001321773.2 and 4 more transcripts).
Identifiers: ClinVar variation 3048491 (VCV003048491.2), dbSNP rs746700096, ClinGen allele CA4744077.
Genomic context (GRCh38, chr8:50,536,770, plus strand): 5'-TCCAGGCTTGAGGTGGGAGAAGCGATGGTGCGACCTCAGACTGATCCCTCTACTTCATTC[G>C]CGCTTCTCTCAGTATGTGCCCGGCACAGATTTGAGTCGGTGAGTCCGTGTTTAGGAGTTA-3'
Protein context (NP_061840.1, residues 204-224): CDLRLIPLLH[Ser214=]RFSQYVPGTD